The following is an entry in ClinVar:

NM_007327.4(GRIN1):c.691G>C (p.Val231Leu)

Gene: GRIN1 (glutamate ionotropic receptor NMDA type subunit 1; plus strand). Cytogenetic location: 9q34.3.
Variant type: single nucleotide variant.
Coding change: c.691G>C on transcript NM_007327.4 (MANE Select); coding-DNA position 691, G replaced by C.
Protein change: p.Val231Leu; replaces valine 231 with leucine.
Molecular consequence: missense variant.
Genome position (GRCh38, 1-based): chr9:137,156,688, G>C. VCF-style: chr9-137156688-G-C. GRCh37 (hg19) VCF-style: chr9-140051140-G-C.
Other names: c.691G>C, p.Val231Leu (NM_000832.7, NM_021569.4); c.754G>C, p.Val252Leu (NM_001185090.2, NM_001185091.2); short protein forms V231L, V252L.
Identifiers: ClinVar variation 2499684 (VCV002499684.1), dbSNP rs1472478100, ClinGen allele CA375714655.

ClinVar aggregate classification (germline): Uncertain significance (1 of 4 stars; one submission).

Allele frequency attached by ClinVar (database versions not stated): gnomAD 0.00001; TOPMed 0.00001.
gnomAD v4.1: 1 of 1,599,044 alleles (0.000063%); highest among the groups gnomAD compares: African/African-American, 0.0013%; no homozygotes.

Submission:

GeneDx
Classification: Uncertain significance. Last evaluated: 2023-04-21. Review status: criteria provided, single submitter. Criteria: GeneDx Variant Classification Process June 2021. Collection method: clinical testing. Allele origin: germline. Affected: yes.
Comment: Not observed at significant frequency in large population cohorts (gnomAD); In silico analysis supports that this missense variant does not alter protein structure/function; Has not been previously published as pathogenic or benign to our knowledge